The following is an entry in ClinVar:

NM_000384.3(APOB):c.10335T>A (p.Asn3445Lys)

Gene: APOB (apolipoprotein B; minus strand). Cytogenetic location: 2p24.1.
Variant type: single nucleotide variant.
Coding change: c.10335T>A on transcript NM_000384.3 (MANE Select); coding-DNA position 10335, T replaced by A.
Protein change: p.Asn3445Lys; replaces asparagine 3445 with lysine.
Molecular consequence: missense variant.
Genome position (GRCh38, 1-based): chr2:21,006,533, A>T on the plus strand (T>A on the coding strand, the complement: APOB is on the minus strand). VCF-style: chr2-21006533-A-T. GRCh37 (hg19) VCF-style: chr2-21229405-A-T.
Other names: short protein forms N3445K.
Identifiers: ClinVar variation 4789280 (VCV004789280.1).

ClinVar aggregate classification (germline): Uncertain significance (1 of 4 stars; one submission).

Conditions:
Familial hypobetalipoproteinemia 1. Also called: APOB-Related Familial Hypobetalipoproteinemia; Hypobetalipoproteinemia, normotriglyceridemic; Acanthocytosis with hypobetalipoproteinemia. Identifiers: MedGen C4551990, MONDO:0014252, OMIM 615558.
Hypercholesterolemia, autosomal dominant, type B (FHCL2). Also called: APOB-Related Familial Hypercholesterolemia, Autosomal Dominant; Familial hypercholesterolemia 2; Familial Hypercholesterolemia Type B; APOLIPOPROTEIN B-100, FAMILIAL DEFECTIVE; APOLIPOPROTEIN B-100, FAMILIAL LIGAND-DEFECTIVE; HYPERCHOLESTEROLEMIA, FAMILIAL, DUE TO LIGAND-DEFECTIVE APOLIPOPROTEIN B. Identifiers: MedGen C1704417, MONDO:0007751, OMIM 144010.

Submission:

Labcorp Genetics (formerly Invitae), Labcorp
Classification: Uncertain significance for Familial hypobetalipoproteinemia 1; Hypercholesterolemia, autosomal dominant, type B. Last evaluated: 2025-11-02. Review status: criteria provided, single submitter. Criteria: Invitae Variant Classification Sherloc (09022015). Collection method: clinical testing. Allele origin: germline.
Comment: This sequence change replaces asparagine, which is neutral and polar, with lysine, which is basic and polar, at codon 3445 of the APOB protein (p.Asn3445Lys). This variant is not present in population databases (gnomAD no frequency). This variant has not been reported in the literature in individuals affected with APOB-related conditions. Invitae Evidence Modeling of protein sequence and biophysical properties (such as structural, functional, and spatial information, amino acid conservation, physicochemical variation, residue mobility, and thermodynamic stability) indicates that this missense variant is not expected to disrupt APOB protein function with a negative predictive value of 95%. In summary, the available evidence is currently insufficient to determine the role of this variant in disease. Therefore, it has been classified as a Variant of Uncertain Significance.